The following is an entry in ClinVar:

NM_021020.5(LZTS1):c.1478T>G (p.Phe493Cys)

Gene: LZTS1 (leucine zipper tumor suppressor 1; minus strand). Cytogenetic location: 8p21.3.
Variant type: single nucleotide variant.
Coding change: c.1478T>G on transcript NM_021020.5 (MANE Select); coding-DNA position 1478, T replaced by G.
Protein change: p.Phe493Cys; replaces phenylalanine 493 with cysteine.
Molecular consequence: missense variant.
Genome position (GRCh38, 1-based): chr8:20,250,035, A>C on the plus strand (T>G on the coding strand, the complement: LZTS1 is on the minus strand). VCF-style: chr8-20250035-A-C. GRCh37 (hg19) VCF-style: chr8-20107546-A-C.
Other names: c.1478T>G, p.Phe493Cys (NM_001362884.2); short protein forms F493C.
Identifiers: ClinVar variation 2843616 (VCV002843616.3), dbSNP rs1325809680, ClinGen allele CA370476062.

ClinVar aggregate classification (germline): Uncertain significance (1 of 4 stars; one submission).

Submission:

Labcorp Genetics (formerly Invitae), Labcorp
Classification: Uncertain significance. Last evaluated: 2025-08-16. Review status: criteria provided, single submitter. Criteria: Invitae Variant Classification Sherloc (09022015). Collection method: clinical testing. Allele origin: germline.
Comment: This sequence change replaces phenylalanine, which is neutral and non-polar, with cysteine, which is neutral and slightly polar, at codon 493 of the LZTS1 protein (p.Phe493Cys). This variant is not present in population databases (gnomAD no frequency). This variant has not been reported in the literature in individuals affected with LZTS1-related conditions. ClinVar contains an entry for this variant (Variation ID: 2843616). Invitae Evidence Modeling of protein sequence and biophysical properties (such as structural, functional, and spatial information, amino acid conservation, physicochemical variation, residue mobility, and thermodynamic stability) indicates that this missense variant is not expected to disrupt LZTS1 protein function with a negative predictive value of 80%. In summary, the available evidence is currently insufficient to determine the role of this variant in disease. Therefore, it has been classified as a Variant of Uncertain Significance.